The following is an entry in ClinVar:

NM_002609.4(PDGFRB):c.1682_1684del (p.Arg561_Tyr562delinsHis)

Gene: PDGFRB (platelet derived growth factor receptor beta; minus strand). Cytogenetic location: 5q32.
Variant type: Deletion.
Coding change: c.1682_1684del on transcript NM_002609.4 (MANE Select); coding-DNA positions 1682 to 1684, 3 bases deleted (GTT; older notation c.1682_1684delGTT).
Protein change: p.Arg561_Tyr562delinsHis.
Molecular consequence: inframe indel.
Genome position (GRCh38, 1-based): chr5:150,125,568-150,125,570, AAC deleted on the plus strand (GTT on the coding strand, the reverse complement: PDGFRB is on the minus strand). VCF-style (leftmost placement, unchanged base first): chr5-150125567-TAAC-T. GRCh37 (hg19) VCF-style: chr5-149505130-TAAC-T.
Other names: c.1490_1492del, p.Arg497_Tyr498delinsHis (NM_001355016.2); c.1199_1201del, p.Arg400_Tyr401delinsHis (NM_001355017.2).
Identifiers: ClinVar variation 973196 (VCV000973196.3), dbSNP rs1760272027, ClinGen allele CA1139659146.

ClinVar aggregate classification (germline): Pathogenic (1 of 4 stars; one submission).

Conditions:
Infantile myofibromatosis (IMF). Also called: Congenital generalized fibromatosis. Identifiers: Orphanet 2591, MedGen C0432284, MONDO:0016824.

Submission:

Demoulin lab, University of Louvain
Classification: Pathogenic for Infantile myofibromatosis. Last evaluated: 2018-08-10. Review status: criteria provided, single submitter. Criteria: Dachy G et al. (JAMA Dermatol 2019). Collection method: research. Allele origin: germline. Affected: yes. Observed: 1 variant allele.
Comment: The mutation strongly activates PDGFRB signaling in in vitro assays (gain of function).

Germline variant associated with somatic variant NM_002609.3:c.1998C>G (PDGFRB:p.Asn666Lys). This gain-of-function mutation of PDGFRB is sensitive to tyrosine kinase inhibitor imatinib.